The following is an entry in ClinVar:

ClinVar aggregate classification (germline): Uncertain significance (1 of 4 stars; one submission).

Conditions:
Combined oxidative phosphorylation deficiency. Identifiers: MedGen C4540031, MONDO:0000732.
Charcot-Marie-Tooth Neuropathy X. Identifiers: MedGen CN118851.

gnomAD v4.1: 1 of 1,211,992 alleles (0.000083%); no homozygotes.

Submission:

Labcorp Genetics (formerly Invitae), Labcorp
Classification: Uncertain significance for Charcot-Marie-Tooth Neuropathy X; Combined oxidative phosphorylation deficiency. Last evaluated: 2023-06-28. Review status: criteria provided, single submitter. Criteria: Invitae Variant Classification Sherloc (09022015). Collection method: clinical testing. Allele origin: germline.
Comment: In summary, the available evidence is currently insufficient to determine the role of this variant in disease. Therefore, it has been classified as a Variant of Uncertain Significance. Algorithms developed to predict the effect of sequence changes on RNA splicing suggest that this variant may disrupt the consensus splice site. Advanced modeling of protein sequence and biophysical properties (such as structural, functional, and spatial information, amino acid conservation, physicochemical variation, residue mobility, and thermodynamic stability) has been performed at Invitae for this missense variant, however the output from this modeling did not meet the statistical confidence thresholds required to predict the impact of this variant on AIFM1 protein function. This variant has not been reported in the literature in individuals affected with AIFM1-related conditions. This sequence change replaces serine, which is neutral and polar, with arginine, which is basic and polar, at codon 546 of the AIFM1 protein (p.Ser546Arg). This variant is not present in population databases (gnomAD no frequency).

NM_004208.4(AIFM1):c.1636A>C (p.Ser546Arg)

Genes: AIFM1 (apoptosis inducing factor mitochondria associated 1; minus strand), RAB33A (RAB33A, member RAS oncogene family; plus strand). Cytogenetic location: Xq26.1.
Variant type: single nucleotide variant.
Coding change: c.1636A>C on transcript NM_004208.4 (MANE Select); coding-DNA position 1636, A replaced by C.
Protein change: p.Ser546Arg; replaces serine 546 with arginine.
Molecular consequence: missense variant. On other transcripts: 3 prime UTR variant (1), non-coding transcript variant (1).
Genome position (GRCh38, 1-based): chrX:130,130,104, T>G on the plus strand (A>C on the coding strand, the complement: AIFM1 is on the minus strand). VCF-style: chrX-130130104-T-G. GRCh37 (hg19) VCF-style: chrX-129264079-T-G.
Other names: c.619A>C, p.Ser207Arg (NM_001130846.4); c.*864A>C (NM_001130847.4); c.1624A>C, p.Ser542Arg (NM_145812.3); short protein forms S207R, S546R, S542R.
Identifiers: ClinVar variation 2950317 (VCV002950317.3), dbSNP rs1569415378, ClinGen allele CA414569041.